The following is an entry in ClinVar:

ClinVar aggregate classification (germline): Uncertain significance (1 of 4 stars; one submission).

Conditions:
Nemaline myopathy 2 (NEM2). Also called: Nemaline myopathy 2, autosomal recessive. Identifiers: MedGen C1850569, MONDO:0009725, OMIM 256030.

Submission:

Labcorp Genetics (formerly Invitae), Labcorp
Classification: Uncertain significance for Nemaline myopathy 2. Last evaluated: 2022-06-14. Review status: criteria provided, single submitter. Criteria: Invitae Variant Classification Sherloc (09022015). Collection method: clinical testing. Allele origin: germline.
Comment: This sequence change replaces glycine, which is neutral and non-polar, with aspartic acid, which is acidic and polar, at codon 8338 of the NEB protein (p.Gly8338Asp). This variant is not present in population databases (gnomAD no frequency). This variant has not been reported in the literature in individuals affected with NEB-related conditions. Algorithms developed to predict the effect of missense changes on protein structure and function are either unavailable or do not agree on the potential impact of this missense change (SIFT: "Deleterious"; PolyPhen-2: "Not Available"; Align-GVGD: "Class C0"). In summary, the available evidence is currently insufficient to determine the role of this variant in disease. Therefore, it has been classified as a Variant of Uncertain Significance.

NM_001164508.2(NEB):c.24908G>A (p.Gly8303Asp)

Genes: NEB (nebulin; minus strand), RIF1 (replication timing regulatory factor 1; plus strand). Cytogenetic location: 2q23.3.
Variant type: single nucleotide variant.
Coding change: c.24908G>A on transcript NM_001164508.2 (MANE Select); coding-DNA position 24908, G replaced by A.
Protein change: p.Gly8303Asp; replaces glycine 8303 with aspartic acid.
Molecular consequence: missense variant.
Genome position (GRCh38, 1-based): chr2:151,492,247, C>T on the plus strand (G>A on the coding strand, the complement: NEB is on the minus strand). VCF-style: chr2-151492247-C-T. GRCh37 (hg19) VCF-style: chr2-152348761-C-T.
Other names: c.24908G>A, p.Gly8303Asp (NM_001164507.2); c.25013G>A, p.Gly8338Asp (NM_001271208.2); c.19340G>A, p.Gly6447Asp (NM_004543.5); short protein forms G8303D, G8338D, G6447D.
Identifiers: ClinVar variation 2006213 (VCV002006213.4), dbSNP rs2551707877, ClinGen allele CA348773876.